The following is an entry in ClinVar:

ClinVar aggregate classification (germline): Pathogenic. Review status: criteria provided, multiple submitters, no conflicts (2 of 4 stars). 2 submissions from 2 submitters: Pathogenic (2). Last evaluated 2023-12-26.

Conditions:
Familial adenomatous polyposis 1 (FAP1). Also called: POLYPOSIS, ADENOMATOUS INTESTINAL; FAMILIAL ADENOMATOUS POLYPOSIS 1, ATTENUATED. Identifiers: MedGen C2713442, MONDO:0021056, OMIM 175100. Disease mechanism: loss of function.

Submissions (2):

Labcorp Genetics (formerly Invitae), Labcorp
Classification: Pathogenic for Familial adenomatous polyposis 1. Last evaluated: 2023-12-26. Review status: criteria provided, single submitter. Criteria: Invitae Variant Classification Sherloc (09022015). Collection method: clinical testing. Allele origin: germline.
Comment: This sequence change creates a premature translational stop signal (p.Ser1201Tyrfs*64) in the APC gene. While this is not anticipated to result in nonsense mediated decay, it is expected to disrupt the last 1643 amino acid(s) of the APC protein. This variant is not present in population databases (gnomAD no frequency). This premature translational stop signal has been observed in individual(s) with familial adenomatous polyposis (PMID: 20685668). ClinVar contains an entry for this variant (Variation ID: 2136314). This variant disrupts a region of the APC protein in which other variant(s) (p.Tyr2645Lysfs*14) have been determined to be pathogenic (PMID: 1316610, 8381579, 9824584, 22135120). This suggests that this is a clinically significant region of the protein, and that variants that disrupt it are likely to be disease-causing. For these reasons, this variant has been classified as Pathogenic.

Myriad Genetics, Inc.
Classification: Pathogenic for Familial adenomatous polyposis 1. Last evaluated: 2023-05-09. Review status: criteria provided, single submitter. Criteria: Myriad Autosomal Dominant, Autosomal Recessive and X-Linked Classification Criteria (2023). Collection method: clinical testing. Allele origin: unknown.
Comment: This variant is considered pathogenic. This variant creates a frameshift predicted to result in premature protein truncation.

Literature cited by the submitters: PubMed 20685668 (cited by Labcorp Genetics (formerly Invitae), Labcorp); PubMed 1316610 (cited by Labcorp Genetics (formerly Invitae), Labcorp); PubMed 8381579 (cited by Labcorp Genetics (formerly Invitae), Labcorp); PubMed 9824584 (cited by Labcorp Genetics (formerly Invitae), Labcorp); PubMed 22135120 (cited by Labcorp Genetics (formerly Invitae), Labcorp).

NM_000038.6(APC):c.3602del (p.Ser1201fs)

Gene: APC (APC regulator of Wnt signaling pathway; plus strand). Cytogenetic location: 5q22.2.
Variant type: Deletion.
Coding change: c.3602del on transcript NM_000038.6 (MANE Select); coding-DNA position 3602, one base deleted (C; older notation c.3602delC).
Protein change: p.Ser1201fs; shifts the reading frame from serine 1201.
Molecular consequence: frameshift variant.
Genome position (GRCh38, 1-based): chr5:112,839,196, C deleted. VCF-style (leftmost placement, unchanged base first): chr5-112839195-TC-T. GRCh37 (hg19) VCF-style: chr5-112174892-TC-T.
Other names: c.3602del, p.Ser1201fs (NM_001127510.3, NM_001354895.2); c.3548del, p.Ser1183fs (NM_001127511.3); c.3656del, p.Ser1219fs (NM_001354896.2); c.3632del, p.Ser1211fs (NM_001354897.2); c.3527del, p.Ser1176fs (NM_001354898.2); c.3518del, p.Ser1173fs (NM_001354899.2); c.3479del, p.Ser1160fs (NM_001354900.2); c.3425del, p.Ser1142fs (NM_001354901.2); and 16 more; short protein forms S1160fs, S1173fs, S1183fs, S1201fs, S1219fs, S918fs, S1110fs, S1142fs.
Identifiers: ClinVar variation 2136314 (VCV002136314.6), dbSNP rs2533510783, ClinGen allele CA658760949.